The following is an entry in ClinVar:

NM_004329.3(BMPR1A):c.509T>G (p.Phe170Cys)

Gene: BMPR1A (bone morphogenetic protein receptor type 1A; plus strand). Cytogenetic location: 10q23.2.
Variant type: single nucleotide variant.
Coding change: c.509T>G on transcript NM_004329.3 (MANE Select); coding-DNA position 509, T replaced by G.
Protein change: p.Phe170Cys; replaces phenylalanine 170 with cysteine.
Molecular consequence: missense variant.
Genome position (GRCh38, 1-based): chr10:86,900,105, T>G. VCF-style: chr10-86900105-T-G. GRCh37 (hg19) VCF-style: chr10-88659862-T-G.
Other names: c.509T>G, p.Phe170Cys (NM_001406559.1, NM_001406560.1, NM_001406561.1 and 22 more transcripts); c.425T>G, p.Phe142Cys (NM_001406584.1, NM_001406585.1, NM_001406586.1 and 2 more transcripts); short protein forms F170C, F142C.
Identifiers: ClinVar variation 2140272 (VCV002140272.5), dbSNP rs555873943, ClinGen allele CA211191028.

ClinVar aggregate classification (germline): Uncertain significance. Review status: criteria provided, multiple submitters, no conflicts (2 of 4 stars). 2 submissions from 2 submitters: Uncertain significance (2). Last evaluated 2026-02-19.

Conditions:
Hereditary cancer-predisposing syndrome. Also called: Hereditary neoplastic syndrome; Neoplastic Syndromes, Hereditary; Tumor predisposition; Hereditary Cancer Syndrome. Identifiers: Orphanet 140162, MedGen C0027672, MeSH D009386, MONDO:0015356.
Juvenile polyposis syndrome (JPS). Identifiers: Orphanet 2929, MedGen C0345893, MONDO:0017380, OMIM 174900.

Allele frequency attached by ClinVar (database versions not stated): gnomAD 0.00001; 1000 Genomes Project 30x 0.00016; 1000 Genomes Project 0.00020.
gnomAD v4.1: 1 of 1,613,912 alleles (0.000062%); highest among the groups gnomAD compares: East Asian, 0.0022%; no homozygotes.

Submissions (2):

Ambry Genetics
Classification: Uncertain significance for Hereditary cancer-predisposing syndrome. Last evaluated: 2026-02-19. Review status: criteria provided, single submitter. Criteria: Ambry Variant Classification Scheme 2023. Collection method: clinical testing. Allele origin: germline.
Comment: The p.F170C variant (also known as c.509T>G), located in coding exon 5 of the BMPR1A gene, results from a T to G substitution at nucleotide position 509. The phenylalanine at codon 170 is replaced by cysteine, an amino acid with highly dissimilar properties. This amino acid position is not well conserved in available vertebrate species. In addition, the in silico prediction for this alteration is inconclusive. Based on the available evidence, the clinical significance of this variant remains unclear.

Labcorp Genetics (formerly Invitae), Labcorp
Classification: Uncertain significance for Juvenile polyposis syndrome. Last evaluated: 2025-10-06. Review status: criteria provided, single submitter. Criteria: Invitae Variant Classification Sherloc (09022015). Collection method: clinical testing. Allele origin: germline.
Comment: This sequence change replaces phenylalanine, which is neutral and non-polar, with cysteine, which is neutral and slightly polar, at codon 170 of the BMPR1A protein (p.Phe170Cys). This variant is not present in population databases (gnomAD no frequency). This variant has not been reported in the literature in individuals affected with BMPR1A-related conditions. ClinVar contains an entry for this variant (Variation ID: 2140272). Invitae Evidence Modeling of protein sequence and biophysical properties (such as structural, functional, and spatial information, amino acid conservation, physicochemical variation, residue mobility, and thermodynamic stability) indicates that this missense variant is not expected to disrupt BMPR1A protein function with a negative predictive value of 80%. In summary, the available evidence is currently insufficient to determine the role of this variant in disease. Therefore, it has been classified as a Variant of Uncertain Significance.